The following is an entry in ClinVar:

NM_000540.3(RYR1):c.14538G>C (p.Ala4846=)

Gene: RYR1 (ryanodine receptor 1; plus strand). Cytogenetic location: 19q13.2.
Variant type: single nucleotide variant.
Coding change: c.14538G>C on transcript NM_000540.3 (MANE Select); coding-DNA position 14538, G replaced by C.
Protein change: p.Ala4846=; no amino-acid change (alanine 4846 retained).
Molecular consequence: synonymous variant.
Genome position (GRCh38, 1-based): chr19:38,580,396, G>C. VCF-style: chr19-38580396-G-C. GRCh37 (hg19) VCF-style: chr19-39071036-G-C.
Other names: c.14523G>C, p.Ala4841= (NM_001042723.2).
Identifiers: ClinVar variation 508816 (VCV000508816.43), dbSNP rs763954439, ClinGen allele CA061382.

ClinVar aggregate classification (germline): Conflicting classifications of pathogenicity. Review status: criteria provided, conflicting classifications (1 of 4 stars). 9 submissions from 7 submitters: Uncertain significance (3); Likely benign (6). Last evaluated 2025-09-02.

Conditions:
RYR1-related disorder. Also called: RYR1-related condition; RYR1-related disorders. Identifiers: MedGen CN239331.
Central core myopathy (CMYO1A). Also called: Central core disease; Myopathy, central fibrillar; CONGENITAL MYOPATHY 1A, AUTOSOMAL DOMINANT, WITH SUSCEPTIBILITY TO MALIGNANT HYPERTHERMIA. Identifiers: Orphanet 597, MedGen C5830701, MONDO:0007294, OMIM 117000.
Congenital multicore myopathy with external ophthalmoplegia (CMYO1B). Also called: Minicore myopathy with external ophthalmoplegia; Congenital myopathy 1B, autosomal recessive; Minicore myopathy; MULTIMINICORE DISEASE WITH EXTERNAL OPHTHALMOPLEGIA; MULTICORE MYOPATHY. Identifiers: Orphanet 598, Orphanet 98905, MedGen C1850674, MONDO:0009712, OMIM 255320, HP:0003789.
Malignant hyperthermia, susceptibility to, 1 (MHS1). Also called: Anesthesia related hyperthermia; Malignant hyperpyrexia; Fulminating hyperpyrexia; Pharmacogenic myopathy; RYR1-Related Malignant Hyperthermia Susceptibility; Malignant hyperthermia suceptibility 1. Identifiers: Orphanet 423, MedGen C2930980, MONDO:0007783, OMIM 145600.

Allele frequency attached by ClinVar (database versions not stated): ExAC 0.00004; gnomAD 0.00004; TOPMed 0.00004.
gnomAD v4.1: 170 of 1,614,046 alleles (0.011%); highest among the groups gnomAD compares: Non-Finnish European, 0.013%; no homozygotes.

Submissions (9):

Labcorp Genetics (formerly Invitae), Labcorp
Classification: Likely benign for RYR1-related disorder. Last evaluated: 2025-09-02. Review status: criteria provided, single submitter. Criteria: Invitae Variant Classification Sherloc (09022015). Collection method: clinical testing. Allele origin: germline.

Blueprint Genetics
Classification: Likely benign. Last evaluated: 2024-08-22. Review status: criteria provided, single submitter. Criteria: ACMG Guidelines, 2015. Collection method: clinical testing. Allele origin: germline.

Color Diagnostics, LLC DBA Color Health
Classification: Likely benign for Malignant hyperthermia, susceptibility to, 1. Last evaluated: 2022-11-06. Review status: criteria provided, single submitter. Criteria: ACMG Guidelines, 2015. Collection method: clinical testing. Allele origin: germline.

CeGaT Center for Human Genetics Tuebingen
Classification: Likely benign. Last evaluated: 2022-10-01. Review status: criteria provided, single submitter. Criteria: CeGaT Center For Human Genetics Tuebingen Variant Classification Criteria Version 2. Collection method: clinical testing. Allele origin: germline. Affected: yes. Observed: 1 variant allele.
Comment: RYR1: BP4, BP7

GeneDx
Classification: Likely benign. Last evaluated: 2019-06-12. Review status: criteria provided, single submitter. Criteria: GeneDx Variant Classification Process June 2021. Collection method: clinical testing. Allele origin: germline. Affected: yes.

Illumina Laboratory Services, Illumina
Classification: Uncertain significance for Central core myopathy. Last evaluated: 2018-01-12. Review status: criteria provided, single submitter. Criteria: ICSL Variant Classification Criteria 13 December 2019. Collection method: clinical testing. Allele origin: germline.

Illumina Laboratory Services, Illumina
Classification: Uncertain significance for Malignant hyperthermia, susceptibility to, 1. Last evaluated: 2018-01-12. Review status: criteria provided, single submitter. Criteria: ICSL Variant Classification Criteria 13 December 2019. Collection method: clinical testing. Allele origin: germline.

Illumina Laboratory Services, Illumina
Classification: Uncertain significance for Congenital multicore myopathy with external ophthalmoplegia. Last evaluated: 2018-01-12. Review status: criteria provided, single submitter. Criteria: ICSL Variant Classification Criteria 13 December 2019. Collection method: clinical testing. Allele origin: germline.

PreventionGenetics, part of Exact Sciences
Classification: Likely benign. Last evaluated: 2016-09-27. Review status: criteria provided, single submitter. Criteria: ACMG Guidelines, 2015. Collection method: clinical testing. Allele origin: germline.